The following is an entry in ClinVar:

NM_004281.4(BAG3):c.78G>A (p.Trp26Ter)

Gene: BAG3 (BAG cochaperone 3; plus strand). Cytogenetic location: 10q26.11.
Variant type: single nucleotide variant.
Coding change: c.78G>A on transcript NM_004281.4 (MANE Select); coding-DNA position 78, G replaced by A.
Protein change: p.Trp26Ter; replaces tryptophan 26 with a stop codon.
Molecular consequence: nonsense.
Genome position (GRCh38, 1-based): chr10:119,651,753, G>A. VCF-style: chr10-119651753-G-A. GRCh37 (hg19) VCF-style: chr10-121411265-G-A.
Other names: short protein forms W26*.
Identifiers: ClinVar variation 4783705 (VCV004783705.1), dbSNP rs535344112.
Genomic context (GRCh38, chr10:119,651,753, plus strand): 5'-CTCGCCCATGATGCAGGTGGCGTCCGGCAACGGTGACCGCGACCCTTTGCCCCCCGGATG[G>A]GAGATCAAGATCGACCCGCAGACCGGCTGGCCCTTCTTCGTGGACCACAACAGCCGCACC-3'

ClinVar aggregate classification (germline): Pathogenic (1 of 4 stars; one submission).

Conditions:
Dilated cardiomyopathy 1HH (CMD1HH). Identifiers: Orphanet 154, MedGen C3151293, MONDO:0013479, OMIM 613881.
Myofibrillar myopathy 6. Identifiers: Orphanet 199340, MedGen C2751831, MONDO:0013061, OMIM 612954.

gnomAD v4.1: 1 of 1,599,878 alleles (0.000063%); highest among the groups gnomAD compares: African/African-American, 0.0014%; no homozygotes.

Submission:

Labcorp Genetics (formerly Invitae), Labcorp
Classification: Pathogenic for Dilated cardiomyopathy 1HH; Myofibrillar myopathy 6. Last evaluated: 2026-01-05. Review status: criteria provided, single submitter. Criteria: Invitae Variant Classification Sherloc (09022015). Collection method: clinical testing. Allele origin: germline.
Comment: This sequence change creates a premature translational stop signal (p.Trp26*) in the BAG3 gene. It is expected to result in an absent or disrupted protein product. Loss-of-function variants in BAG3 are known to be pathogenic (PMID: 21353195, 25008357). This variant is present in population databases (rs535344112, gnomAD 0.007%). This premature translational stop signal has been observed in individual(s) with dilated cardiomyopathy (PMID: 28436997, 37652022). For these reasons, this variant has been classified as Pathogenic.

Literature cited by the submitters: PubMed 21353195; PubMed 25008357; PubMed 28436997; PubMed 37652022.